The following is an entry in ClinVar:

NM_000516.7(GNAS):c.1166G>A (p.Arg389His)

Gene: GNAS (GNAS complex locus; plus strand). Cytogenetic location: 20q13.32.
Variant type: single nucleotide variant.
Coding change: c.1166G>A on transcript NM_000516.7 (MANE Select); coding-DNA position 1166, G replaced by A.
Protein change: p.Arg389His; replaces arginine 389 with histidine.
Molecular consequence: missense variant. On other transcripts: 3 prime UTR variant (2).
Genome position (GRCh38, 1-based): chr20:58,910,810, G>A. VCF-style: chr20-58910810-G-A. GRCh37 (hg19) VCF-style: chr20-57485865-G-A.
Other names: c.1169G>A, p.Arg390His (NM_001077488.5); c.1121G>A, p.Arg374His (NM_001077489.4); c.*1027G>A (NM_001077490.3); c.989G>A, p.Arg330His (NM_001309840.2, NM_001309861.2); c.1070G>A, p.Arg357His (NM_001410912.1); c.3050G>A, p.Arg1017His (NM_001410913.1); c.*1072G>A (NM_016592.5); c.3095G>A, p.Arg1032His (NM_080425.4); and 1 more; short protein forms R1017H, R1032H, R330H, R357H, R374H, R375H, R389H, R390H.
Identifiers: ClinVar variation 3604866 (VCV003604866.2).

ClinVar aggregate classification (germline): Uncertain significance (1 of 4 stars; one submission).

Submission:

Labcorp Genetics (formerly Invitae), Labcorp
Classification: Uncertain significance. Last evaluated: 2024-03-01. Review status: criteria provided, single submitter. Criteria: Invitae Variant Classification Sherloc (09022015). Collection method: clinical testing. Allele origin: germline.
Comment: This sequence change replaces arginine, which is basic and polar, with histidine, which is basic and polar, at codon 389 of the GNAS protein (p.Arg389His). This variant is present in population databases (rs750103665, gnomAD 0.0009%). This variant has not been reported in the literature in individuals affected with GNAS-related conditions. Advanced modeling of protein sequence and biophysical properties (such as structural, functional, and spatial information, amino acid conservation, physicochemical variation, residue mobility, and thermodynamic stability) performed at Invitae indicates that this missense variant is not expected to disrupt GNAS protein function with a negative predictive value of 80%. Algorithms developed to predict the effect of sequence changes on RNA splicing suggest that this variant may create or strengthen a splice site. In summary, the available evidence is currently insufficient to determine the role of this variant in disease. Therefore, it has been classified as a Variant of Uncertain Significance.